The following is an entry in ClinVar:

ClinVar aggregate classification (germline): Uncertain significance (1 of 4 stars; one submission).

Submission:

ISCA site 15
Classification: Uncertain significance. Last evaluated: 2011-08-12. Review status: criteria provided, single submitter. Criteria: Kaminsky et al. (Genet Med. 2011). Collection method: clinical testing. Allele origin: unknown. Affected: yes. Observed: 1 variant allele.
Comment: Copy number variation identified through the course of routine clinical cytogenomic testing in postnatal populations. Clinical assertions have been curated as described in Kaminsky et al. 2011.

GRCh38/hg38 16q23.3(chr16:83796168-84063463)x3

Genes: CDH13 (cadherin 13; plus strand), CDH13-AS2 (CDH13 antisense RNA 2; minus strand), HSBP1 (heat shock factor binding protein 1; plus strand), MBTPS1 (membrane bound transcription factor peptidase, site 1; minus strand), MLYCD (malonyl-CoA decarboxylase; plus strand) and 14 more. Cytogenetic location: 16q23.3.
Variant type: copy number gain.
Change: copy number 3 (three copies instead of two) of chr16:83,796,168-84,063,463 (267.3 kb, GRCh38 coordinates, 1-based), cytogenetic band 16q23.3.
Identifiers: ClinVar variation 60064 (VCV000060064.1).